The following is an entry in ClinVar:

NM_144499.3(GNAT1):c.110C>T (p.Ala37Val)

Gene: GNAT1 (G protein subunit alpha transducin 1; plus strand). Cytogenetic location: 3p21.31.
Variant type: single nucleotide variant.
Coding change: c.110C>T on transcript NM_144499.3 (MANE Select); coding-DNA position 110, C replaced by T.
Protein change: p.Ala37Val; replaces alanine 37 with valine.
Molecular consequence: missense variant.
Genome position (GRCh38, 1-based): chr3:50,193,136, C>T. VCF-style: chr3-50193136-C-T. GRCh37 (hg19) VCF-style: chr3-50230569-C-T.
Other names: c.110C>T, p.Ala37Val (NM_000172.4); short protein forms A37V.
Identifiers: ClinVar variation 3669054 (VCV003669054.2).

ClinVar aggregate classification (germline): Uncertain significance (1 of 4 stars; one submission).

Submission:

Labcorp Genetics (formerly Invitae), Labcorp
Classification: Uncertain significance. Last evaluated: 2024-05-19. Review status: criteria provided, single submitter. Criteria: Invitae Variant Classification Sherloc (09022015). Collection method: clinical testing. Allele origin: germline.
Comment: This sequence change replaces alanine, which is neutral and non-polar, with valine, which is neutral and non-polar, at codon 37 of the GNAT1 protein (p.Ala37Val). This variant is not present in population databases (gnomAD no frequency). This variant has not been reported in the literature in individuals affected with GNAT1-related conditions. Advanced modeling of protein sequence and biophysical properties (such as structural, functional, and spatial information, amino acid conservation, physicochemical variation, residue mobility, and thermodynamic stability) performed at Invitae indicates that this missense variant is expected to disrupt GNAT1 protein function with a positive predictive value of 80%. In summary, the available evidence is currently insufficient to determine the role of this variant in disease. Therefore, it has been classified as a Variant of Uncertain Significance.